The following is an entry in ClinVar:

ClinVar aggregate classification (germline): Conflicting classifications of pathogenicity. Review status: criteria provided, conflicting classifications (1 of 4 stars). 5 submissions from 5 submitters: Pathogenic (2); Likely pathogenic (1); Uncertain significance (1). 1 of the submissions does not count toward it. Last evaluated 2026-09-23.

Conditions:
TBX6-related disorder. Also called: TBX6-related condition.
Spondylocostal dysostosis 5 (SCDO5). Also called: SCOLIOSIS, CONGENITAL, WITH OR WITHOUT RIB ANOMALIES. Identifiers: MedGen C4083048, MONDO:0007389, OMIM 122600.

Allele frequency attached by ClinVar (database versions not stated): TOPMed below 0.00001; gnomAD 0.00001; 1000 Genomes Project 30x 0.00016; 1000 Genomes Project 0.00020.

Submissions (5):

GeneDx
Classification: Uncertain significance. Last evaluated: 2026-09-23. Review status: criteria provided, single submitter. Criteria: GeneDx Variant Classification Process June 2021. Collection method: clinical testing. Allele origin: germline.
Comment: Nonsense variant predicted to result in protein truncation or nonsense mediated decay in a gene for which loss of function is a known mechanism of disease; This variant is associated with the following publications: (PMID: 27437870, 25564734, 30636772, 23335591, 32381727)

CeGaT Center for Human Genetics Tuebingen
Classification: Likely pathogenic. Last evaluated: 2025-12-01. Review status: criteria provided, single submitter. Criteria: CeGaT Center For Human Genetics Tuebingen Variant Classification Criteria Version 2. Collection method: clinical testing. Allele origin: germline. Affected: yes. Observed: 1 variant allele.
Comment: TBX6: PVS1:Strong, PM2

Blueprint Genetics
Classification: Pathogenic for TBX6-related disorders. Last evaluated: 2020-06-03. Review status: criteria provided, single submitter. Criteria: ACMG Guidelines, 2015. Collection method: clinical testing. Allele origin: germline. Affected: yes. Observed: 1 variant allele.

Lupski Lab, Baylor-Hopkins CMG, Baylor College of Medicine
Classification: Pathogenic for Spondylocostal dysostosis 5. Last evaluated: 2015-11-15. Review status: criteria provided, single submitter. Criteria: Wu et al. (N Engl J Med. 2015). Collection method: research. Allele origin: germline. Inheritance: Other. Affected: yes. Observed: 1 variant allele, 1 compound heterozygote.
Comment: The variant was found to be in trans with a high-risk TBX6 haplotype, T-C-A (rs2289292, rs3809624, rs3809627).

OMIM
Classification: Pathogenic for SPONDYLOCOSTAL DYSOSTOSIS 5. Last evaluated: 2015-01-22. Review status: no assertion criteria provided. Collection method: literature only. Allele origin: germline. Not counted in ClinVar's aggregate classification.

Literature cited by the submitters: PubMed 23335591 (cited by Lupski Lab, Baylor-Hopkins CMG, Baylor College of Medicine); PubMed 25564734 (cited by OMIM).

NM_004608.4(TBX6):c.844C>T (p.Arg282Ter)

Gene: TBX6 (T-box transcription factor 6; minus strand). Cytogenetic location: 16p11.2.
Variant type: single nucleotide variant.
Coding change: c.844C>T on transcript NM_004608.4 (MANE Select); coding-DNA position 844, C replaced by T.
Protein change: p.Arg282Ter; replaces arginine 282 with a stop codon.
Molecular consequence: nonsense.
Genome position (GRCh38, 1-based): chr16:30,086,847, G>A on the plus strand (C>T on the coding strand, the complement: TBX6 is on the minus strand). VCF-style: chr16-30086847-G-A. GRCh37 (hg19) VCF-style: chr16-30098168-G-A.
Other names: short protein forms R282*.
Identifiers: ClinVar variation 188052 (VCV000188052.10), dbSNP rs201620629, ClinGen allele CA198670.